The following is an entry in ClinVar:

NM_000198.4(HSD3B2):c.308-1G>C

Gene: HSD3B2 (hydroxy-delta-5-steroid dehydrogenase, 3 beta- and steroid delta-isomerase 2; plus strand). Cytogenetic location: 1p12.
Variant type: single nucleotide variant.
Coding change: c.308-1G>C on transcript NM_000198.4 (MANE Select); the canonical splice acceptor site of the intron before coding-DNA position 308, G replaced by C.
Molecular consequence: splice acceptor variant.
Genome position (GRCh38, 1-based): chr1:119,421,808, G>C. VCF-style: chr1-119421808-G-C. GRCh37 (hg19) VCF-style: chr1-119964431-G-C.
Other names: c.308-1G>C (NM_001166120.2).
Identifiers: ClinVar variation 2635187 (VCV002635187.4), dbSNP rs2526391147, ClinGen allele CA341395873.

ClinVar aggregate classification (germline): Likely pathogenic. Review status: criteria provided, multiple submitters, no conflicts (2 of 4 stars). 3 submissions from 3 submitters: Likely pathogenic (3). Last evaluated 2026-01-12.

Conditions:
3 beta-Hydroxysteroid dehydrogenase deficiency. Also called: 3b-hydroxysteroid dehydrogenase deficiency; ADRENAL HYPERPLASIA, CONGENITAL, DUE TO 3-BETA-HYDROXYSTEROID DEHYDROGENASE 2 DEFICIENCY; 3-BETA-HSD DEFICIENCY; ADRENAL HYPERPLASIA II; Congenital adrenal hyperplasia due to 3-beta-hydroxysteroid dehydrogenase deficiency. Identifiers: Orphanet 90791, MedGen C0342471, MeSH C538236, MONDO:0008727, OMIM 201810. Disease mechanism: loss of function.
HSD3B2-related disorder. Also called: HSD3B2-related condition.

Allele frequency attached by ClinVar (database versions not stated): gnomAD exomes 0.00002.
gnomAD v4.1: 24 of 1,613,612 alleles (0.0015%); highest among the groups gnomAD compares: Non-Finnish European, 0.002%; no homozygotes.

Submissions (3):

Natera, Inc.
Classification: Likely pathogenic for 3 beta hydroxysteroid dehydrogenase deficiency. Last evaluated: 2026-01-12. Review status: criteria provided, single submitter. Criteria: Natera Variant Classification Schema (03/2026). Collection method: clinical testing. Allele origin: germline.
Comment: The c.308-1G>C variant in HSD3B2 is a canonical splice acceptor site variant predicted to affect pre-mRNA splicing, which may result in an abnormal transcript and altered protein product. This variant is expected to result in nonsense mediated decay, truncation, or a dysfunctional protein product. This variant is rare in the general population with a frequency below the threshold expected for the associated phenotype(s). Given the available evidence, this variant is classified as Likely Pathogenic.

Fulgent Genetics
Classification: Likely pathogenic for 3 beta-Hydroxysteroid dehydrogenase deficiency. Last evaluated: 2024-02-17. Review status: criteria provided, single submitter. Criteria: ACMG Guidelines, 2015. Collection method: clinical testing. Allele origin: germline.

PreventionGenetics, part of Exact Sciences
Classification: Likely pathogenic for HSD3B2-related condition. Last evaluated: 2022-11-10. Review status: criteria provided, single submitter. Criteria: ACMG Guidelines, 2015. Collection method: clinical testing. Allele origin: germline.
Comment: The HSD3B2 c.308-1G>C variant is predicted to disrupt the AG splice acceptor site and interfere with normal splicing. To our knowledge, this variant has not been reported in the literature or in a large population database, indicating this variant is rare. Chain-terminating variants upstream and downstream have been documented to be disease causing (Human Gene Mutation Database). Variants that disrupt the consensus splice acceptor site in HSD3B2 are expected to be pathogenic. This variant is interpreted as likely pathogenic.